The following is an entry in ClinVar:

NM_002397.5(MEF2C):c.402+146C>A

Gene: MEF2C (myocyte enhancer factor 2C; minus strand). Cytogenetic location: 5q14.3.
Variant type: single nucleotide variant.
Coding change: c.402+146C>A on transcript NM_002397.5 (MANE Select); 146 bases into the intron after coding-DNA position 402, C replaced by A.
Molecular consequence: intron variant. On other transcripts: nonsense (5).
Genome position (GRCh38, 1-based): chr5:88,761,039, G>T on the plus strand (C>A on the coding strand, the complement: MEF2C is on the minus strand). VCF-style: chr5-88761039-G-T. GRCh37 (hg19) VCF-style: chr5-88056856-G-T.
Other names: c.345C>A, p.Tyr115Ter (NM_001131005.2, NM_001364343.2, NM_001364352.2); c.405C>A, p.Tyr135Ter (NM_001193347.1, NM_001364338.2); c.402+146C>A (NM_001364329.2, NM_001364330.2, NM_001364333.2 and 18 more transcripts); c.259-8996C>A (NM_001364344.2, NM_001364354.2, NM_001364332.2 and 3 more transcripts); c.24+146C>A (NM_001364353.2, NM_001364356.2); c.-24-8996C>A (NM_001364357.2); short protein forms Y115*, Y135*.
Identifiers: ClinVar variation 1320084 (VCV001320084.1), dbSNP rs1358670337, ClinGen allele CA360424200.

ClinVar aggregate classification (germline): Likely pathogenic (1 of 4 stars; one submission).

Conditions:
Neurodevelopmental disorder with hypotonia, stereotypic hand movements, and impaired language. Also called: Intellectual disability, autosomal dominant 20. Identifiers: Orphanet 228384, Orphanet 664410, MedGen C3150700, MONDO:0013266, OMIM 613443.

Submission:

3billion
Classification: Likely pathogenic for Neurodevelopmental disorder with hypotonia, stereotypic hand movements, and impaired language. Last evaluated: 2021-10-02. Review status: criteria provided, single submitter. Criteria: ACMG Guidelines, 2015. Collection method: clinical testing. Allele origin: unknown. Affected: yes. Observed: 1 heterozygote.
Comment: Stop-gained (nonsense): predicted to result in a loss or disruption of normal protein function through nonsense-mediated decay (NMD) or protein truncation. Multiple pathogenic variants are reported downstream of the variant (PVS1_VS). It is not observed in the gnomAD v2.1.1 dataset (PM2). Therefore, this variant is classified as likely pathogenic according to the recommendation of ACMG/AMP guideline.